The following is an entry in ClinVar:

NM_017802.4(DNAAF5):c.1099G>A (p.Asp367Asn)

Gene: DNAAF5 (dynein axonemal assembly factor 5; plus strand). Cytogenetic location: 7p22.3.
Variant type: single nucleotide variant.
Coding change: c.1099G>A on transcript NM_017802.4 (MANE Select); coding-DNA position 1099, G replaced by A.
Protein change: p.Asp367Asn; replaces aspartic acid 367 with asparagine.
Molecular consequence: missense variant. On other transcripts: non-coding transcript variant (1).
Genome position (GRCh38, 1-based): chr7:754,663, G>A. VCF-style: chr7-754663-G-A. GRCh37 (hg19) VCF-style: chr7-794300-G-A.
Other names: short protein forms D367N.
Identifiers: ClinVar variation 2219576 (VCV002219576.3), dbSNP rs538557115, ClinGen allele CA4110594.
Genomic context (GRCh38, chr7:754,663, plus strand): 5'-CTGGGCTGCCGGGAGCTCGTCTTCAGGAACCTCTCCAAGATCCTCCCTGCCCTGTGCCAC[G>A]ACATCACCGACTGGGTGGTGGGGACCCGAGTGAAGTCGGCACAGCTGCTCCCAGTGCTGC-3'
Protein context (NP_060272.3, residues 357-377): LSKILPALCH[Asp367Asn]ITDWVVGTRV

ClinVar aggregate classification (germline): Uncertain significance (1 of 4 stars; one submission).

Conditions:
Primary ciliary dyskinesia. Also called: Ciliary dyskinesia. Identifiers: Orphanet 244, MedGen C0008780, MONDO:0016575, HP:0012265.

Allele frequency attached by ClinVar (database versions not stated): gnomAD 0.00001; ExAC 0.00003; TOPMed 0.00003; gnomAD exomes 0.00004.
gnomAD v4.1: 56 of 1,613,954 alleles (0.0035%); highest among the groups gnomAD compares: East Asian, 0.062%; no homozygotes.

Submission:

Ambry Genetics
Classification: Uncertain significance for Primary ciliary dyskinesia. Last evaluated: 2024-03-16. Review status: criteria provided, single submitter. Criteria: Ambry Variant Classification Scheme 2023. Collection method: clinical testing. Allele origin: germline.
Comment: The p.D367N variant (also known as c.1099G>A), located in coding exon 5 of the DNAAF5 gene, results from a G to A substitution at nucleotide position 1099. The aspartic acid at codon 367 is replaced by asparagine, an amino acid with highly similar properties. This amino acid position is conserved. In addition, this alteration is predicted to be tolerated by in silico analysis. Based on the available evidence, the clinical significance of this alteration remains unclear.